The following is an entry in ClinVar:

NM_001142800.2(EYS):c.3573G>T (p.Trp1191Cys)

Gene: EYS (EGF-like photoreceptor maintenance factor; minus strand). Cytogenetic location: 6q12.
Variant type: single nucleotide variant.
Coding change: c.3573G>T on transcript NM_001142800.2 (MANE Select); coding-DNA position 3573, G replaced by T.
Protein change: p.Trp1191Cys; replaces tryptophan 1191 with cysteine.
Molecular consequence: missense variant.
Genome position (GRCh38, 1-based): chr6:64,617,529, C>A on the plus strand (G>T on the coding strand, the complement: EYS is on the minus strand). VCF-style: chr6-64617529-C-A. GRCh37 (hg19) VCF-style: chr6-65327422-C-A.
Other names: c.3573G>T (NM_001142800.1); c.3573G>T, p.Trp1191Cys (NM_001292009.2); short protein forms W1191C.
Identifiers: ClinVar variation 2085550 (VCV002085550.2), dbSNP rs1239806410, ClinGen allele CA364785226.
Genomic context (GRCh38, chr6:64,617,529, plus strand): 5'-GAGTTCATGAACACATGAGTTGGGAATGCACTCAAGCTCATTCTCACAGTGGTGTCCAGA[C>A]CATCCTGTTCAACAAAATTACAAAGCAGATATGCAATTTTTAATGATAATAAAAACAGTT-3'
Protein context (NP_001136272.1, residues 1181-1201): NGYVCKCQPG[Trp1191Cys]SGHHCENELE

ClinVar aggregate classification (germline): Uncertain significance. Review status: criteria provided, multiple submitters, no conflicts (2 of 4 stars). 2 submissions from 2 submitters: Uncertain significance (2). Last evaluated 2026-07-03.

Conditions:
Inborn genetic diseases. Identifiers: MedGen C0950123, MeSH D030342.

Allele frequency attached by ClinVar (database versions not stated): gnomAD exomes below 0.00001; TOPMed 0.00001.
gnomAD v4.1: 1 of 1,535,634 alleles (0.000065%); highest among the groups gnomAD compares: Non-Finnish European, 0.000088%; no homozygotes.

Submissions (2):

Ambry Genetics
Classification: Uncertain significance for Inborn genetic diseases. Last evaluated: 2026-07-03. Review status: criteria provided, single submitter. Criteria: Ambry Variant Classification Scheme 2023. Collection method: clinical testing. Allele origin: germline.

Labcorp Genetics (formerly Invitae), Labcorp
Classification: Uncertain significance. Last evaluated: 2022-06-26. Review status: criteria provided, single submitter. Criteria: Invitae Variant Classification Sherloc (09022015). Collection method: clinical testing. Allele origin: germline.
Comment: This sequence change replaces tryptophan, which is neutral and slightly polar, with cysteine, which is neutral and slightly polar, at codon 1191 of the EYS protein (p.Trp1191Cys). This variant is not present in population databases (gnomAD no frequency). This variant has not been reported in the literature in individuals affected with EYS-related conditions. Algorithms developed to predict the effect of missense changes on protein structure and function are either unavailable or do not agree on the potential impact of this missense change (SIFT: "Deleterious"; PolyPhen-2: "Benign"; Align-GVGD: "Class C65"). In summary, the available evidence is currently insufficient to determine the role of this variant in disease. Therefore, it has been classified as a Variant of Uncertain Significance.